The following is an entry in ClinVar:

NM_130797.4(DPP6):c.627+21099G>A

Gene: DPP6 (dipeptidyl peptidase like 6; plus strand). Cytogenetic location: 7q36.2.
Variant type: single nucleotide variant.
Coding change: c.627+21099G>A on transcript NM_130797.4 (MANE Select); 21099 bases into the intron after coding-DNA position 627, G replaced by A.
Molecular consequence: genic downstream transcript variant. On other transcripts: synonymous variant (1), 3 prime UTR variant (1).
Genome position (GRCh38, 1-based): chr7:154,588,015, G>A. VCF-style: chr7-154588015-G-A. GRCh37 (hg19) VCF-style: chr7-154379725-G-A.
Other names: c.993G>A, p.Ser331= (NM_001290253.2); c.*841G>A (NM_001364502.2); c.444+21099G>A (NM_001364500.2, NM_001364499.2, NM_001364497.2 and 1 more transcripts); c.435+21099G>A (NM_001364501.2, NM_001039350.3); c.441+21099G>A (NM_001936.5, NM_001290252.2).
Identifiers: ClinVar variation 3052084 (VCV003052084.2), dbSNP rs145851911, ClinGen allele CA4583223.

ClinVar aggregate classification (germline): Benign (0 of 4 stars; one submission).

Conditions:
DPP6-related disorder. Also called: DPP6-related condition.

Allele frequency attached by ClinVar (database versions not stated): ESP Exome Variant Server 0.00035; gnomAD 0.00096; TOPMed 0.00119; ExAC 0.00216; 1000 Genomes Project 30x 0.00484; 1000 Genomes Project 0.00599.
gnomAD v4.1: 1,646 of 1,612,774 alleles (0.1%); highest among the groups gnomAD compares: East Asian, 3%; 26 homozygotes.

Submission:

PreventionGenetics, part of Exact Sciences
Classification: Benign for DPP6-related condition. Last evaluated: 2024-04-18. Review status: no assertion criteria provided. Collection method: clinical testing. Allele origin: germline.
Comment: This variant is classified as benign based on ACMG/AMP sequence variant interpretation guidelines (Richards et al. 2015 PMID: 25741868, with internal and published modifications).